The following is an entry in ClinVar:

NM_000516.7(GNAS):c.1039-5C>T

Gene: GNAS (GNAS complex locus; plus strand). Cytogenetic location: 20q13.32.
Variant type: single nucleotide variant.
Coding change: c.1039-5C>T on transcript NM_000516.7 (MANE Select); 5 bases into the intron before coding-DNA position 1039, C replaced by T.
Molecular consequence: intron variant.
Genome position (GRCh38, 1-based): chr20:58,910,678, C>T. VCF-style: chr20-58910678-C-T. GRCh37 (hg19) VCF-style: chr20-57485733-C-T.
Other names: c.1039-5C>T (NM_000516.5); c.*945-5C>T (NM_016592.5); c.862-5C>T (NM_001309861.2, NM_001309840.2); c.*900-5C>T (NM_001077490.3); c.2968-5C>T (NM_080425.4); c.1042-5C>T (NM_001077488.5); c.997-5C>T (NM_080426.4); c.994-5C>T (NM_001077489.4).
Identifiers: ClinVar variation 1644097 (VCV001644097.11), dbSNP rs777248900, ClinGen allele CA9927317.
Genomic context (GRCh38, chr20:58,910,678, plus strand): 5'-CCATCAGGGATAGGGTGGTTCCTGGCGAGGGTGTCACTGACAAGTCCCCTTGTTTGTGCC[C>T]GCAGAGGATCAGCACTGCCAGTGGAGATGGGCGTCACTACTGCTACCCTCATTTCACCTG-3'

ClinVar aggregate classification (germline): Likely benign. Review status: criteria provided, multiple submitters, no conflicts (2 of 4 stars). 3 submissions from 3 submitters: Likely benign (2). 1 of the submissions does not count toward it. Last evaluated 2025-06-19.

Conditions:
GNAS-related disorder. Identifiers: MedGen CN380105.

Allele frequency attached by ClinVar (database versions not stated): gnomAD exomes 0.00001 and 0.00002; ExAC 0.00002; gnomAD 0.00003; TOPMed 0.00003.
gnomAD v4.1: 27 of 1,613,910 alleles (0.0017%); highest among the groups gnomAD compares: Middle Eastern, 0.016%; no homozygotes.

Submissions (3):

Labcorp Genetics (formerly Invitae), Labcorp
Classification: Likely benign. Last evaluated: 2025-06-19. Review status: criteria provided, single submitter. Criteria: Invitae Variant Classification Sherloc (09022015). Collection method: clinical testing. Allele origin: germline.

Blueprint Genetics
Classification: Likely benign. Last evaluated: 2021-06-18. Review status: criteria provided, single submitter. Criteria: ACMG Guidelines, 2015. Collection method: clinical testing. Allele origin: germline.

PreventionGenetics, part of Exact Sciences
Classification: Likely benign for GNAS-related condition. Last evaluated: 2021-04-28. Review status: no assertion criteria provided. Collection method: clinical testing. Allele origin: germline. Not counted in ClinVar's aggregate classification.
Comment: This variant is classified as likely benign based on ACMG/AMP sequence variant interpretation guidelines (Richards et al. 2015 PMID: 25741868, with internal and published modifications).